The following is an entry in ClinVar:

ClinVar aggregate classification (germline): Pathogenic (1 of 4 stars; one submission).

Conditions:
Joubert syndrome 17 (JBTS17). Identifiers: Orphanet 475, MedGen C3553264, MONDO:0013824, OMIM 614615.

Submission:

Broad Center for Mendelian Genomics, Broad Institute of MIT and Harvard
Classification: Pathogenic for Joubert syndrome 17. Last evaluated: 2018-12-03. Review status: criteria provided, single submitter. Criteria: ACMG Guidelines, 2015. Collection method: research. Allele origin: germline. Inheritance: Autosomal recessive inheritance. Affected: yes.
Comment: The presence of this variant in combination with a pathogenic variant and in an individual with Joubert syndrome increases the likelihood that the p.Gln2996ProfsTer40 variant is pathogenic. This variant was absent from large population studies. This variant is predicted to cause a frameshift, which alters the protein's amino acid sequence beginning at position 2996 and leads to a premature termination codon 40 amino acids downstream. This alteration is then predicted to lead to a truncated or absent protein. Loss of function of the C5orf42 gene is an established disease mechanism in autosomal recessive Joubert syndrome. In summary, this variant meets criteria to be classified as pathogenic for Joubert syndrome in an autosomal recessive manner based on the predicted impact of the variant and the presence of a pathogenic variant in trans in an individual with Joubert syndrome. ACMG/AMP Criteria applied: PM2, PVS1, PM3 (Richards 2015).

NM_001384732.1(CPLANE1):c.9148dup (p.Gln3050fs)

Gene: CPLANE1 (ciliogenesis and planar polarity effector complex subunit 1; minus strand). Cytogenetic location: 5p13.2.
Variant type: Duplication.
Coding change: c.9148dup on transcript NM_001384732.1 (MANE Select); coding-DNA position 9148, one base duplicated (C; older notation c.9148dupC).
Protein change: p.Gln3050fs; shifts the reading frame from glutamine 3050.
Molecular consequence: frameshift variant.
Genome position (GRCh38, 1-based): chr5:37,121,654, G duplicated on the plus strand (C on the coding strand, the reverse complement: CPLANE1 is on the minus strand). VCF-style (leftmost placement, unchanged base first): chr5-37121653-T-TG. GRCh37 (hg19) VCF-style: chr5-37121755-T-TG.
Other names: c.8986dup, p.Gln2996fs (NM_023073.4); short protein forms Q2996fs, Q3050fs.
Identifiers: ClinVar variation 813948 (VCV000813948.1), dbSNP rs1579888631, ClinGen allele CA443921762.